The following is an entry in ClinVar:

NC_000012.11:g.(?_1949885)_(1984523_?)del

Gene: CACNA2D4 (calcium voltage-gated channel auxiliary subunit alpha2delta 4; minus strand). Cytogenetic location: 12p13.33.
Variant type: Deletion.
Identifiers: ClinVar variation 1444304 (VCV001444304.5).

ClinVar aggregate classification (germline): Uncertain significance (1 of 4 stars; one submission).

Submission:

Labcorp Genetics (formerly Invitae), Labcorp
Classification: Uncertain significance. Last evaluated: 2024-01-16. Review status: criteria provided, single submitter. Criteria: Invitae Variant Classification Sherloc (09022015). Collection method: clinical testing. Allele origin: germline.
Comment: This variant is a gross deletion of the genomic region encompassing exon(s) 17-26 of the CACNA2D4 gene. This deletion is out-of-frame, and is expected to create a premature translational stop signal and result in an absent or disrupted protein product. However, the current clinical and genetic evidence is not sufficient to establish whether loss-of-function variants in CACNA2D4 cause disease. A similar copy number variant has been observed in individual(s) with retinal dysfunction (PMID: 26560832, 28726569). In summary, the available evidence is currently insufficient to determine the role of this variant in disease. Therefore, it has been classified as a Variant of Uncertain Significance.

Literature cited by the submitters: PubMed 26560832; PubMed 28726569.